The following is an entry in ClinVar:

ClinVar aggregate classification (germline): Uncertain significance (1 of 4 stars; one submission).

Conditions:
Hereditary cancer-predisposing syndrome. Also called: Hereditary neoplastic syndrome; Tumor predisposition; Hereditary Cancer Syndrome; Neoplastic Syndromes, Hereditary. Identifiers: Orphanet 140162, MedGen C0027672, MeSH D009386, MONDO:0015356.

Submissions (2):

Ambry Genetics
Classification: Uncertain significance for Hereditary cancer-predisposing syndrome. Last evaluated: 2023-07-21. Review status: criteria provided, single submitter. Criteria: Ambry Variant Classification Scheme 2023. Collection method: clinical testing. Allele origin: germline.
Comment: The c.290+4A>C intronic variant results from an A to C substitution 4 nucleotides after coding exon 1 in the STK11 gene. This nucleotide position is well conserved in available vertebrate species. In silico splice site analysis predicts that this alteration will not have any significant effect on splicing. Since supporting evidence is limited at this time, the clinical significance of this alteration remains unclear.

Dr. Peter K. Rogan Lab, Western University
No classification provided (evidence only). Condition: Ovarian serous cystadenocarcinoma. Review status: no classification provided. Collection method: in vitro. Allele origin: not applicable. Functional consequence: retained intron. Not counted in ClinVar's aggregate classification.

NM_000455.5(STK11):c.290+4A>C

Gene: STK11 (serine/threonine kinase 11; plus strand). Cytogenetic location: 19p13.3.
Variant type: single nucleotide variant.
Coding change: c.290+4A>C on transcript NM_000455.5 (MANE Select); 4 bases into the intron after coding-DNA position 290, A replaced by C.
Molecular consequence: intron variant.
Genome position (GRCh38, 1-based): chr19:1,207,207, A>C. VCF-style: chr19-1207207-A-C. GRCh37 (hg19) VCF-style: chr19-1207206-A-C.
Other names: NC_000019.9:g.1207206A>C; c.290+4A>C (NM_001407255.1).
Identifiers: ClinVar variation 2586604 (VCV002586604.3), dbSNP rs2080673714, ClinGen allele CA2582342342.